The following is an entry in ClinVar:

ClinVar aggregate classification (germline): Uncertain significance (1 of 4 stars; one submission).

Submission:

Greenwood Genetic Center Diagnostic Laboratories, Greenwood Genetic Center
Classification: Uncertain significance. Last evaluated: 2022-10-03. Review status: criteria provided, single submitter. Criteria: ACMG Guidelines, 2015. Collection method: clinical testing. Allele origin: germline. Affected: yes.
Comment: PM2, PP2

NM_014991.6(WDFY3):c.8062T>G (p.Leu2688Val)

Gene: WDFY3 (WD repeat and FYVE domain containing 3; minus strand). Cytogenetic location: 4q21.23.
Variant type: single nucleotide variant.
Coding change: c.8062T>G on transcript NM_014991.6 (MANE Select); coding-DNA position 8062, T replaced by G.
Protein change: p.Leu2688Val; replaces leucine 2688 with valine.
Molecular consequence: missense variant.
Genome position (GRCh38, 1-based): chr4:84,709,328, A>C on the plus strand (T>G on the coding strand, the complement: WDFY3 is on the minus strand). VCF-style: chr4-84709328-A-C. GRCh37 (hg19) VCF-style: chr4-85630481-A-C.
Other names: c.8062T>G (NM_014991.5); short protein forms L2688V.
Identifiers: ClinVar variation 2429083 (VCV002429083.4), dbSNP rs2531275251, ClinGen allele CA357540580.